The following is an entry in ClinVar:

ClinVar aggregate classification (germline): Uncertain significance (1 of 4 stars; one submission).

Conditions:
Evans syndrome, immunodeficiency, and premature immunosenescence associated with tripeptidyl-peptidase II deficiency. Identifiers: MedGen CN231723. Disease mechanism: loss of function.

gnomAD v4.1: 8 of 1,611,926 alleles (0.0005%); highest among the groups gnomAD compares: South Asian, 0.0088%; no homozygotes.

Submission:

Labcorp Genetics (formerly Invitae), Labcorp
Classification: Uncertain significance for Evans syndrome, immunodeficiency, and premature immunosenescence associated with tripeptidyl-peptidase II deficiency. Last evaluated: 2024-03-02. Review status: criteria provided, single submitter. Criteria: Invitae Variant Classification Sherloc (09022015). Collection method: clinical testing. Allele origin: germline.
Comment: This sequence change replaces alanine, which is neutral and non-polar, with glycine, which is neutral and non-polar, at codon 648 of the TPP2 protein (p.Ala648Gly). This variant is present in population databases (rs769874271, gnomAD 0.01%). This variant has not been reported in the literature in individuals affected with TPP2-related conditions. ClinVar contains an entry for this variant (Variation ID: 570390). An algorithm developed to predict the effect of missense changes on protein structure and function (PolyPhen-2) suggests that this variant is likely to be tolerated. In summary, the available evidence is currently insufficient to determine the role of this variant in disease. Therefore, it has been classified as a Variant of Uncertain Significance.

NM_001330588.2(TPP2):c.1943C>G (p.Ala648Gly)

Gene: TPP2 (tripeptidyl peptidase 2; plus strand). Cytogenetic location: 13q33.1.
Variant type: single nucleotide variant.
Coding change: c.1943C>G on transcript NM_001330588.2 (MANE Select); coding-DNA position 1943, C replaced by G.
Protein change: p.Ala648Gly; replaces alanine 648 with glycine.
Molecular consequence: missense variant. On other transcripts: non-coding transcript variant (1).
Genome position (GRCh38, 1-based): chr13:102,640,299, C>G. VCF-style: chr13-102640299-C-G. GRCh37 (hg19) VCF-style: chr13-103292649-C-G.
Other names: c.1943C>G, p.Ala648Gly (LRG_1341t1, NM_001367947.1, NM_003291.4); short protein forms A648G.
Identifiers: ClinVar variation 570390 (VCV000570390.8), dbSNP rs769874271, ClinGen allele CA7037881.
Genomic context (GRCh38, chr13:102,640,299, plus strand): 5'-TATACATTTAATTACTTTTATTAATTTTCAGAGTAAATGAATCATCACATTATGATCTAG[C>G]CTTTACAGATGTACACTTTAAACCTGGTCAAATTCGAAGGCATTTTATTGAGGTTCCTGA-3'
Protein context (NP_001317517.1, residues 638-658): KVNESSHYDL[Ala648Gly]FTDVHFKPGQ